The following is an entry in ClinVar:

NM_001113378.2(FANCI):c.1417G>A (p.Val473Ile)

Gene: FANCI (FA complementation group I; plus strand). Cytogenetic location: 15q26.1.
Variant type: single nucleotide variant.
Coding change: c.1417G>A on transcript NM_001113378.2 (MANE Select); coding-DNA position 1417, G replaced by A.
Protein change: p.Val473Ile; replaces valine 473 with isoleucine.
Molecular consequence: missense variant.
Genome position (GRCh38, 1-based): chr15:89,281,205, G>A. VCF-style: chr15-89281205-G-A. GRCh37 (hg19) VCF-style: chr15-89824436-G-A.
Other names: c.1138G>A, p.Val380Ile (NM_001376910.1); c.1417G>A, p.Val473Ile (NM_001376911.1, NM_018193.3); short protein forms V473I, V380I.
Identifiers: ClinVar variation 963485 (VCV000963485.7), dbSNP rs2053602523, ClinGen allele CA393743551.
Genomic context (GRCh38, chr15:89,281,205, plus strand): 5'-ACTGATTATAGATTCTGTTTTTCAGACCTGCTTTCAAATATCGTCATGTATGCACCCTTA[G>A]TTCTTCAAAGTTGTTCTTCTAAAGTCACAGAAGCTTTTGACTATTTGTCCTTTCTGCCCC-3'
Protein context (NP_001106849.1, residues 463-483): LSNIVMYAPL[Val473Ile]LQSCSSKVTE

ClinVar aggregate classification (germline): Uncertain significance (1 of 4 stars; one submission).

Conditions:
Fanconi anemia (FA). Also called: Fanconi's anemia. Identifiers: Orphanet 84, MedGen C0015625, MeSH D005199, MONDO:0019391.

Submission:

Labcorp Genetics (formerly Invitae), Labcorp
Classification: Uncertain significance for Fanconi anemia. Last evaluated: 2024-03-09. Review status: criteria provided, single submitter. Criteria: Invitae Variant Classification Sherloc (09022015). Collection method: clinical testing. Allele origin: germline.
Comment: This sequence change replaces valine, which is neutral and non-polar, with isoleucine, which is neutral and non-polar, at codon 473 of the FANCI protein (p.Val473Ile). This variant is not present in population databases (gnomAD no frequency). This variant has not been reported in the literature in individuals affected with FANCI-related conditions. ClinVar contains an entry for this variant (Variation ID: 963485). Advanced modeling of protein sequence and biophysical properties (such as structural, functional, and spatial information, amino acid conservation, physicochemical variation, residue mobility, and thermodynamic stability) performed at Invitae indicates that this missense variant is not expected to disrupt FANCI protein function with a negative predictive value of 80%. In summary, the available evidence is currently insufficient to determine the role of this variant in disease. Therefore, it has been classified as a Variant of Uncertain Significance.